The following is an entry in ClinVar:

NM_001127222.2(CACNA1A):c.6339+4T>G

Gene: CACNA1A (calcium voltage-gated channel subunit alpha1 A; minus strand). Cytogenetic location: 19p13.13.
Variant type: single nucleotide variant.
Coding change: c.6339+4T>G on transcript NM_001127222.2 (MANE Select); 4 bases into the intron after coding-DNA position 6339, T replaced by G.
Molecular consequence: intron variant.
Genome position (GRCh38, 1-based): chr19:13,210,613, A>C on the plus strand (T>G on the coding strand, the complement: CACNA1A is on the minus strand). VCF-style: chr19-13210613-A-C. GRCh37 (hg19) VCF-style: chr19-13321427-A-C.
Other names: c.6342+4T>G (NM_001127221.2); c.6348+4T>G (NM_001174080.2); c.6357+4T>G (NM_000068.4, NM_023035.3).
Identifiers: ClinVar variation 2943970 (VCV002943970.3), dbSNP rs2054775532, ClinGen allele CA2740091919.
Genomic context (GRCh38, chr19:13,210,613, plus strand): 5'-AGGGGGGGTGGGGAGGAAGAGGGGGCCGGAGCCCTGCTGGGCGCTGGGCAGGCGCGGTAC[A>C]TACACTGAGGTTATTCCCACGTGGCCGGCCCCTTCTCCTCTGTCACAGCCCCATGGGATG-3'

ClinVar aggregate classification (germline): Uncertain significance (1 of 4 stars; one submission).

Conditions:
Episodic ataxia type 2 (EA2). Also called: CEREBELLAR ATAXIA, PAROXYSMAL, ACETAZOLAMIDE-RESPONSIVE; CEREBELLOPATHY, HEREDITARY PAROXYSMAL; EPISODIC ATAXIA, NYSTAGMUS-ASSOCIATED; ACETAZOLAMIDE-RESPONSIVE HEREDITARY PAROXYSMAL CEREBELLAR ATAXIA; ATAXIA, EPISODIC, WITH NYSTAGMUS; ATAXIA, FAMILIAL PAROXYSMAL. Identifiers: Orphanet 97, MedGen C1720416, MONDO:0007163, OMIM 108500.
Developmental and epileptic encephalopathy, 42 (DEE42A). Also called: Epileptic encephalopathy, early infantile, 42; DEVELOPMENTAL AND EPILEPTIC ENCEPHALOPATHY 42A; EPILEPTIC ENCEPHALOPATHY, EARLY INFANTILE, 42A. Identifiers: MedGen C4310716, MONDO:0014917, OMIM 617106.

Submission:

Labcorp Genetics (formerly Invitae), Labcorp
Classification: Uncertain significance for Developmental and epileptic encephalopathy, 42; Episodic ataxia type 2. Last evaluated: 2023-09-11. Review status: criteria provided, single submitter. Criteria: Invitae Variant Classification Sherloc (09022015). Collection method: clinical testing. Allele origin: germline.
Comment: In summary, the available evidence is currently insufficient to determine the role of this variant in disease. Therefore, it has been classified as a Variant of Uncertain Significance. Variants that disrupt the consensus splice site are a relatively common cause of aberrant splicing (PMID: 17576681, 9536098). Algorithms developed to predict the effect of sequence changes on RNA splicing suggest that this variant is not likely to affect RNA splicing. This variant has been observed in individual(s) with clinical features of familial hemiplegic migraine (Invitae). This variant is not present in population databases (gnomAD no frequency). This sequence change falls in intron 44 of the CACNA1A gene. It does not directly change the encoded amino acid sequence of the CACNA1A protein. It affects a nucleotide within the consensus splice site.

Literature cited by the submitters: PubMed 17576681; PubMed 9536098.